The following is an entry in ClinVar:

NM_033026.6(PCLO):c.15172A>G (p.Ile5058Val)

Gene: PCLO (piccolo presynaptic cytomatrix protein; minus strand). Cytogenetic location: 7q21.11.
Variant type: single nucleotide variant.
Coding change: c.15172A>G on transcript NM_033026.6 (MANE Select); coding-DNA position 15172, A replaced by G.
Protein change: p.Ile5058Val; replaces isoleucine 5058 with valine.
Molecular consequence: missense variant.
Genome position (GRCh38, 1-based): chr7:82,760,755, T>C on the plus strand (A>G on the coding strand, the complement: PCLO is on the minus strand). VCF-style: chr7-82760755-T-C. GRCh37 (hg19) VCF-style: chr7-82390071-T-C.
Other names: c.15172A>G (NM_033026.5); short protein forms I5058V.
Identifiers: ClinVar variation 1935228 (VCV001935228.5), dbSNP rs375631203, ClinGen allele CA4318596.

ClinVar aggregate classification (germline): Uncertain significance. Review status: criteria provided, multiple submitters, no conflicts (2 of 4 stars). 2 submissions from 2 submitters: Uncertain significance (2). Last evaluated 2023-10-13.

Conditions:
Inborn genetic diseases. Identifiers: MedGen C0950123, MeSH D030342.

Allele frequency attached by ClinVar (database versions not stated): gnomAD exomes below 0.00001; TOPMed below 0.00001.
gnomAD v4.1: 11 of 1,497,862 alleles (0.00073%); highest among the groups gnomAD compares: East Asian, 0.0023%; no homozygotes.

Submissions (2):

Labcorp Genetics (formerly Invitae), Labcorp
Classification: Uncertain significance. Last evaluated: 2023-10-13. Review status: criteria provided, single submitter. Criteria: Invitae Variant Classification Sherloc (09022015). Collection method: clinical testing. Allele origin: germline.
Comment: This sequence change replaces isoleucine, which is neutral and non-polar, with valine, which is neutral and non-polar, at codon 5058 of the PCLO protein (p.Ile5058Val). This variant is present in population databases (rs375631203, gnomAD 0.006%). This variant has not been reported in the literature in individuals affected with PCLO-related conditions. ClinVar contains an entry for this variant (Variation ID: 1935228). Experimental studies and prediction algorithms are not available or were not evaluated, and the functional significance of this variant is currently unknown. In summary, the available evidence is currently insufficient to determine the role of this variant in disease. Therefore, it has been classified as a Variant of Uncertain Significance.

Ambry Genetics
Classification: Uncertain significance for Inborn genetic diseases. Last evaluated: 2023-07-14. Review status: criteria provided, single submitter. Criteria: Ambry Variant Classification Scheme 2023. Collection method: clinical testing. Allele origin: germline.